The following is an entry in ClinVar:

ClinVar aggregate classification (germline): Uncertain significance (1 of 4 stars; one submission).

Conditions:
SEMA3C-related disorder. Also called: SEMA3C-related condition.

Submission:

PreventionGenetics, part of Exact Sciences
Classification: Uncertain significance for SEMA3C-related condition. Last evaluated: 2025-12-17. Review status: criteria provided, single submitter. Criteria: ACMG Guidelines, 2015. Collection method: clinical testing. Allele origin: germline.
Comment: The SEMA3C c.2171A>T variant is predicted to result in the amino acid substitution p.Asn724Ile. To our knowledge, this variant has not been reported in the literature or in a large population database (gnomAD), indicating this variant is rare. At this time, the clinical significance of this variant is uncertain due to the absence of conclusive functional and genetic evidence.

NM_006379.5(SEMA3C):c.2117A>T (p.Asn706Ile)

Gene: SEMA3C (semaphorin 3C; minus strand). Cytogenetic location: 7q21.11.
Variant type: single nucleotide variant.
Coding change: c.2117A>T on transcript NM_006379.5 (MANE Select); coding-DNA position 2117, A replaced by T.
Protein change: p.Asn706Ile; replaces asparagine 706 with isoleucine.
Molecular consequence: missense variant.
Genome position (GRCh38, 1-based): chr7:80,745,033, T>A on the plus strand (A>T on the coding strand, the complement: SEMA3C is on the minus strand). VCF-style: chr7-80745033-T-A. GRCh37 (hg19) VCF-style: chr7-80374349-T-A.
Other names: c.2171A>T, p.Asn724Ile (NM_001350120.2); c.1943A>T, p.Asn648Ile (NM_001350121.2); short protein forms N724I, N706I, N648I.
Identifiers: ClinVar variation 4994780 (VCV004994780.1).
Genomic context (GRCh38, chr7:80,745,033, plus strand): 5'-CTCATTTTCTGTGATTCATCTCCCTGCTGATGTTGCTGCCGAGTGTCTTTGCAATATTGG[T>A]TAATCATCTGCATTTCTGAGTGGCTGAATGCCCCCATGATGTCCTTCGGGTGGAAGGGTA-3'
Protein context (NP_006370.1, residues 696-716): AFSHSEMQMI[Asn706Ile]QYCKDTRQQH